The following is an entry in ClinVar:

ClinVar aggregate classification (germline): Uncertain significance. Review status: criteria provided, multiple submitters, no conflicts (2 of 4 stars). 2 submissions from 2 submitters: Uncertain significance (2). Last evaluated 2025-04-28.

Conditions:
Hydrocephalus, nonsyndromic, autosomal recessive 2. Also called: Hydrocephalus, congenital, 2, with or without brain or eye anomalies. Identifiers: Orphanet 2185, MedGen C3554691, MONDO:0014085, OMIM 615219.

Allele frequency attached by ClinVar (database versions not stated): TOPMed below 0.00001; gnomAD 0.00001 and 0.00002; gnomAD exomes 0.00003 and 0.00007; ExAC 0.00009; 1000 Genomes Project 30x 0.00016; 1000 Genomes Project 0.00020.
gnomAD v4.1: 53 of 1,612,276 alleles (0.0033%); highest among the groups gnomAD compares: South Asian, 0.044%; no homozygotes.

Submissions (2):

Labcorp Genetics (formerly Invitae), Labcorp
Classification: Uncertain significance. Last evaluated: 2025-04-28. Review status: criteria provided, single submitter. Criteria: Invitae Variant Classification Sherloc (09022015). Collection method: clinical testing. Allele origin: germline.
Comment: This sequence change replaces alanine, which is neutral and non-polar, with glycine, which is neutral and non-polar, at codon 857 of the MPDZ protein (p.Ala857Gly). This variant is present in population databases (rs201709530, gnomAD 0.06%). This variant has not been reported in the literature in individuals affected with MPDZ-related conditions. ClinVar contains an entry for this variant (Variation ID: 1007276). An algorithm developed to predict the effect of missense changes on protein structure and function (PolyPhen-2) suggests that this variant is likely to be disruptive. In summary, the available evidence is currently insufficient to determine the role of this variant in disease. Therefore, it has been classified as a Variant of Uncertain Significance.

Department of Pathology and Laboratory Medicine, Sinai Health System
Classification: Uncertain significance for Hydrocephalus, nonsyndromic, autosomal recessive 2. Last evaluated: 2023-10-24. Review status: criteria provided, single submitter. Criteria: ACMG Guidelines, 2015. Collection method: research. Allele origin: germline.

NM_001378778.1(MPDZ):c.2570C>G (p.Ala857Gly)

Gene: MPDZ (multiple PDZ domain crumbs cell polarity complex component; minus strand). Cytogenetic location: 9p23.
Variant type: single nucleotide variant.
Coding change: c.2570C>G on transcript NM_001378778.1 (MANE Select); coding-DNA position 2570, C replaced by G.
Protein change: p.Ala857Gly; replaces alanine 857 with glycine.
Molecular consequence: missense variant.
Genome position (GRCh38, 1-based): chr9:13,183,497, G>C on the plus strand (C>G on the coding strand, the complement: MPDZ is on the minus strand). VCF-style: chr9-13183497-G-C. GRCh37 (hg19) VCF-style: chr9-13183496-G-C.
Other names: c.2570C>G, p.Ala857Gly (NM_001261406.2, NM_001261407.2, NM_001330637.2 and 14 more transcripts); short protein forms A857G.
Identifiers: ClinVar variation 1007276 (VCV001007276.9), dbSNP rs201709530, ClinGen allele CA4987416.